The following is an entry in ClinVar:

NM_001009944.3(PKD1):c.6457G>A (p.Val2153Met)

Gene: PKD1 (polycystin 1, transient receptor potential channel interacting; minus strand). Cytogenetic location: 16p13.3.
Variant type: single nucleotide variant.
Coding change: c.6457G>A on transcript NM_001009944.3 (MANE Select); coding-DNA position 6457, G replaced by A.
Protein change: p.Val2153Met; replaces valine 2153 with methionine.
Molecular consequence: missense variant.
Genome position (GRCh38, 1-based): chr16:2,108,710, C>T on the plus strand (G>A on the coding strand, the complement: PKD1 is on the minus strand). VCF-style: chr16-2108710-C-T. GRCh37 (hg19) VCF-style: chr16-2158711-C-T.
Other names: c.6457G>A, p.Val2153Met (NM_000296.4); short protein forms V2153M.
Identifiers: ClinVar variation 2646010 (VCV002646010.25), dbSNP rs779219568, ClinGen allele CA7831595.

ClinVar aggregate classification (germline): Conflicting classifications of pathogenicity. Review status: criteria provided, conflicting classifications (1 of 4 stars). 2 submissions from 2 submitters: Uncertain significance (1); Likely benign (1). Last evaluated 2024-05-01.

Conditions:
Polycystic kidney disease, adult type (PKD1). Also called: POLYCYSTIC KIDNEY DISEASE, ADULT, TYPE I; Polycystic Kidney Disease 1, Autosomal Dominant; Polycystic kidney disease 1; Polycystic kidney disease 1, severe; Polycystic Kidney, Autosomal Dominant; POLYCYSTIC KIDNEY DISEASE 1 WITH OR WITHOUT POLYCYSTIC LIVER DISEASE. Identifiers: MedGen C3149841, MONDO:0008263, OMIM 173900.

Allele frequency attached by ClinVar (database versions not stated): gnomAD exomes 0.00003; ExAC 0.00004; TOPMed 0.00005; gnomAD 0.00009.
gnomAD v4.1: 47 of 1,569,914 alleles (0.003%); highest among the groups gnomAD compares: African/African-American, 0.016%; no homozygotes.

Submissions (2):

Fulgent Genetics
Classification: Uncertain significance for Polycystic kidney disease, adult type. Last evaluated: 2024-05-01. Review status: criteria provided, single submitter. Criteria: ACMG Guidelines, 2015. Collection method: clinical testing. Allele origin: germline.

CeGaT Center for Human Genetics Tuebingen
Classification: Likely benign. Last evaluated: 2022-07-01. Review status: criteria provided, single submitter. Criteria: CeGaT Center For Human Genetics Tuebingen Variant Classification Criteria Version 2. Collection method: clinical testing. Allele origin: germline. Affected: yes. Observed: 1 variant allele.
Comment: PKD1: BP4